The following is an entry in ClinVar:

NM_002392.6(MDM2):c.1039A>G (p.Ile347Val)

Gene: MDM2 (MDM2 proto-oncogene; plus strand). Cytogenetic location: 12q15.
Variant type: single nucleotide variant.
Coding change: c.1039A>G on transcript NM_002392.6 (MANE Select); coding-DNA position 1039, A replaced by G.
Protein change: p.Ile347Val; replaces isoleucine 347 with valine.
Molecular consequence: missense variant.
Genome position (GRCh38, 1-based): chr12:68,839,394, A>G. VCF-style: chr12-68839394-A-G. GRCh37 (hg19) VCF-style: chr12-69233174-A-G.
Other names: c.880A>G, p.Ile294Val (NM_001145337.3); c.874A>G, p.Ile292Val (NM_001145339.2); c.433A>G, p.Ile145Val (NM_001145340.3); c.511A>G, p.Ile171Val (NM_001278462.2); c.1021A>G, p.Ile341Val (NM_001367990.1); short protein forms I294V, I341V, I145V, I171V, I292V, I347V.
Identifiers: ClinVar variation 1407903 (VCV001407903.6), dbSNP rs768100456, ClinGen allele CA6678853.

ClinVar aggregate classification (germline): Uncertain significance (1 of 4 stars; one submission).

Conditions:
Accelerated tumor formation, susceptibility to (ACTFS). Identifiers: MedGen C3280690, OMIM 614401, MONDO:0013733.

Allele frequency attached by ClinVar (database versions not stated): gnomAD 0.00001; TOPMed 0.00001; ExAC 0.00002; gnomAD exomes 0.00002.
gnomAD v4.1: 30 of 1,613,846 alleles (0.0019%); highest among the groups gnomAD compares: Non-Finnish European, 0.0023%; no homozygotes.

Submission:

Labcorp Genetics (formerly Invitae), Labcorp
Classification: Uncertain significance for Accelerated tumor formation, susceptibility to. Last evaluated: 2023-12-23. Review status: criteria provided, single submitter. Criteria: Invitae Variant Classification Sherloc (09022015). Collection method: clinical testing. Allele origin: germline.
Comment: This sequence change replaces isoleucine, which is neutral and non-polar, with valine, which is neutral and non-polar, at codon 347 of the MDM2 protein (p.Ile347Val). This variant is present in population databases (rs768100456, gnomAD 0.003%). This variant has not been reported in the literature in individuals affected with MDM2-related conditions. ClinVar contains an entry for this variant (Variation ID: 1407903). Algorithms developed to predict the effect of missense changes on protein structure and function output the following: SIFT: "Not Available"; PolyPhen-2: "Benign"; Align-GVGD: "Not Available". The valine amino acid residue is found in multiple mammalian species, which suggests that this missense change does not adversely affect protein function. In summary, the available evidence is currently insufficient to determine the role of this variant in disease. Therefore, it has been classified as a Variant of Uncertain Significance.